The following is an entry in ClinVar:

ClinVar aggregate classification (germline): Conflicting classifications of pathogenicity. Review status: criteria provided, conflicting classifications (1 of 4 stars). 19 submissions from 19 submitters: Uncertain significance (11); Benign (2); Likely benign (3). 3 of the submissions do not count toward it. Last evaluated 2026-08-01.

Conditions:
POLG-related disorder. Also called: POLG-Related Spectrum Disorders; POLG-related condition; POLG-Related Disorders. Identifiers: MedGen C4763519.
Inborn genetic diseases. Identifiers: MedGen C0950123, MeSH D030342.
Charcot-Marie-Tooth disease. Also called: Charcot-Marie-Tooth Hereditary Neuropathy; Charcot-Marie-Tooth Neuropathy. Identifiers: Orphanet 166, MedGen C0007959, MONDO:0015626.
Hereditary spastic paraplegia. Also called: Familial spastic paraparesis. Identifiers: Orphanet 685, MedGen C0037773, MONDO:0019064. Disease mechanism: loss of function.
Progressive sclerosing poliodystrophy (MTDPS4A). Also called: Alpers Syndrome; Mitochondrial DNA Depletion Syndrome 4A; Alpers-Huttenlocher Syndrome (AHS); Alpers-Huttenlocher Syndrome; Mitochondrial DNA depletion syndrome 4A (Alpers type); ALPERS PROGRESSIVE INFANTILE POLIODYSTROPHY. Identifiers: Orphanet 726, MedGen C0205710, MONDO:0008758, OMIM 203700.

Allele frequency attached by ClinVar (database versions not stated): TOPMed 0.00040; ESP Exome Variant Server 0.00054.
gnomAD v4.1: 822 of 1,613,522 alleles (0.051%); highest among the groups gnomAD compares: Non-Finnish European, 0.065%; no homozygotes.

Submissions (19):

CeGaT Center for Human Genetics Tuebingen
Classification: Likely benign. Last evaluated: 2026-08-01. Review status: criteria provided, single submitter. Criteria: CeGaT Center For Human Genetics Tuebingen Variant Classification Criteria Version 2. Collection method: clinical testing. Allele origin: germline. Affected: yes. Observed: 3 variant alleles.
Comment: POLG: BP4

Labcorp Genetics (formerly Invitae), Labcorp
Classification: Likely benign for Progressive sclerosing poliodystrophy. Last evaluated: 2026-02-03. Review status: criteria provided, single submitter. Criteria: Invitae Variant Classification Sherloc (09022015). Collection method: clinical testing. Allele origin: germline.

PreventionGenetics, part of Exact Sciences
Classification: Uncertain significance for POLG-related condition. Last evaluated: 2025-12-30. Review status: criteria provided, single submitter. Criteria: ACMG Guidelines, 2015. Collection method: clinical testing. Allele origin: germline.
Comment: The POLG c.970C>T variant is predicted to result in the amino acid substitution p.Pro324Ser. This variant has been reported in the heterozygous state in individuals with suspected POLG-deficiency and interpreted as uncertain (Tang et al. 2018. PubMed ID: 21880868). This variant is reported in 0.059% of alleles in individuals of European (Non-Finnish) descent in gnomAD, which may be too common to be a primary cause of disease. Although we suspect that this variant may be benign, at this time, the clinical significance of this variant is uncertain due to the absence of conclusive functional and genetic evidence.

Ambry Genetics
Classification: Uncertain significance for Inborn genetic diseases. Last evaluated: 2025-06-09. Review status: criteria provided, single submitter. Criteria: Ambry Variant Classification Scheme 2023. Collection method: clinical testing. Allele origin: germline.
Comment: Unlikely to be causative of AD POLG-related progressive external ophthalmoplegia. Based on insufficient or conflicting evidence, the clinical significance of this alteration remains unclear.

Athena Diagnostics
Classification: Uncertain significance. Last evaluated: 2025-02-26. Review status: criteria provided, single submitter. Criteria: Athena Diagnostics Criteria. Collection method: clinical testing. Allele origin: unknown.
Comment: Available data are insufficient to determine the clinical significance of the variant at this time. The frequency of this variant in the general population is uninformative in assessment of its pathogenicity. Polyphen and MutationTaster predict this amino acid change may be benign.

Women's Health and Genetics/Laboratory Corporation of America, LabCorp
Classification: Uncertain significance. Last evaluated: 2024-10-17. Review status: criteria provided, single submitter. Criteria: LabCorp Variant Classification Summary - May 2015. Collection method: clinical testing. Allele origin: germline.
Comment: Variant summary: POLG c.970C>T (p.Pro324Ser) results in a non-conservative amino acid change located in the DNA mitochondrial polymerase, exonuclease domain (IPR041336) of the encoded protein sequence. Four of five in-silico tools predict a benign effect of the variant on protein function. The variant allele was found at a frequency of 0.00029 in 250106 control chromosomes. This frequency is not significantly higher than estimated for a pathogenic variant in POLG causing POLG-Related Spectrum Disorders, allowing no conclusion about variant significance. To our knowledge, no occurrence of c.970C>T in individuals affected with POLG-Related Spectrum Disorders and no experimental evidence demonstrating its impact on protein function have been reported. ClinVar contains an entry for this variant (Variation ID: 21320). Based on the evidence outlined above, the variant was classified as uncertain significance.

Blueprint Genetics
Classification: Likely benign. Last evaluated: 2024-07-30. Review status: criteria provided, single submitter. Criteria: ACMG Guidelines, 2015. Collection method: clinical testing. Allele origin: germline.

Greenwood Genetic Center Diagnostic Laboratories, Greenwood Genetic Center
Classification: Uncertain significance. Last evaluated: 2021-01-04. Review status: criteria provided, single submitter. Criteria: ACMG Guidelines, 2015. Collection method: clinical testing. Allele origin: germline. Affected: yes.
Comment: No ACMG evidence could be applied applied

Mayo Clinic Laboratories, Mayo Clinic
Classification: Uncertain significance. Last evaluated: 2020-01-17. Review status: criteria provided, single submitter. Criteria: ACMG Guidelines, 2015. Collection method: clinical testing. Allele origin: germline. Observed: 1 variant allele.

Cambridge Genomics Laboratory, East Genomic Laboratory Hub, NHS Genomic Medicine Service
Classification: Uncertain significance for Charcot-Marie-Tooth disease. Last evaluated: 2019-10-17. Review status: criteria provided, single submitter. Criteria: ACGS Best Practice Guidelines for Variant Classification in Rare Disease 2020. Collection method: clinical testing. Allele origin: germline. Affected: yes. Observed: 1 variant allele.

Revvity Omics, Revvity
Classification: Uncertain significance. Last evaluated: 2019-08-01. Review status: criteria provided, single submitter. Criteria: ACMG Guidelines, 2015. Collection method: clinical testing. Allele origin: germline.

Genome Diagnostics Laboratory, The Hospital for Sick Children
Classification: Uncertain significance for Hereditary spastic paraplegia. Last evaluated: 2019-06-01. Review status: criteria provided, single submitter. Criteria: ACMG Guidelines, 2015. Collection method: clinical testing. Allele origin: germline. Affected: yes.

Wong Mito Lab, Molecular and Human Genetics, Baylor College of Medicine
Classification: Benign for Progressive sclerosing poliodystrophy. Last evaluated: 2018-10-01. Review status: criteria provided, single submitter. Criteria: ACMG Guidelines, 2015. Collection method: clinical testing. Allele origin: germline.
Comment: The NM_002693.2:c.970C>T (NP_002684.1:p.Pro324Ser) [GRCH38: NC_000015.10:g.89328996G>A] variant in POLG gene is interpretated to be a Benign based on ACMG guidelines (PMID: 25741868). This variant meets the following evidence codes reported in the ACMG-guideline. BS1:The minor allele frequency of this allele is high for Mitochondrial DNA depletion syndrome 4A (Alpers type). BS2:Observation of the variant in controls is inconsistent with penetrance of Mitochondrial DNA depletion syndrome 4A (Alpers type). BP4:Computational evidence/predictors indicate no impact on the POLG structure, function, or protein-protein interaction. Based on the evidence criteria codes applied, the variant is suggested to be Benign.

Illumina Laboratory Services, Illumina
Classification: Uncertain significance for POLG-Related Spectrum Disorders. Last evaluated: 2018-01-12. Review status: criteria provided, single submitter. Criteria: ICSL Variant Classification Criteria 13 December 2019. Collection method: clinical testing. Allele origin: germline.

Eurofins Ntd Llc (ga)
Classification: Uncertain significance. Last evaluated: 2017-05-02. Review status: criteria provided, single submitter. Criteria: EGL Classification Definitions 2015. Collection method: clinical testing. Allele origin: germline. Observed: 5 variant alleles, 5 heterozygotes.

GeneDx
Classification: Benign. Last evaluated: 2013-11-11. Review status: criteria provided, single submitter. Criteria: GeneDx Variant Classification (06012015). Collection method: clinical testing. Allele origin: germline. Affected: yes.
Comment: This variant is considered likely benign or benign based on one or more of the following criteria: it is a conservative change, it occurs at a poorly conserved position in the protein, it is predicted to be benign by multiple in silico algorithms, and/or has population frequency not consistent with disease.

Clinical Genetics DNA and cytogenetics Diagnostics Lab, Erasmus MC, Erasmus Medical Center
Classification: Benign. Review status: no assertion criteria provided. Collection method: clinical testing. Allele origin: germline. Affected: yes. Study: VKGL Data-share Consensus. Not counted in ClinVar's aggregate classification.

Diagnostic Laboratory, Department of Genetics, University Medical Center Groningen
Classification: Likely benign. Review status: no assertion criteria provided. Collection method: clinical testing. Allele origin: germline. Affected: yes. Study: VKGL Data-share Consensus. Not counted in ClinVar's aggregate classification.

Genome Diagnostics Laboratory, University Medical Center Utrecht
Classification: Likely benign. Review status: no assertion criteria provided. Collection method: clinical testing. Allele origin: germline. Affected: yes. Study: VKGL Data-share Consensus. Not counted in ClinVar's aggregate classification.

Literature cited by the submitters: PubMed 28480171 (cited by Athena Diagnostics); PubMed 27987238 (cited by Athena Diagnostics); PubMed 31440721 (cited by Athena Diagnostics); PubMed 25026993 (cited by Athena Diagnostics); PubMed 21880868 (cited by Athena Diagnostics).

NM_002693.3(POLG):c.970C>T (p.Pro324Ser)

Gene: POLG (DNA polymerase gamma, catalytic subunit; minus strand). Cytogenetic location: 15q26.1.
Variant type: single nucleotide variant.
Coding change: c.970C>T on transcript NM_002693.3 (MANE Select); coding-DNA position 970, C replaced by T.
Protein change: p.Pro324Ser; replaces proline 324 with serine.
Molecular consequence: missense variant.
Genome position (GRCh38, 1-based): chr15:89,328,996, G>A on the plus strand (C>T on the coding strand, the complement: POLG is on the minus strand). VCF-style: chr15-89328996-G-A. GRCh37 (hg19) VCF-style: chr15-89872227-G-A.
Other names: p.P324S:CCC>TCC; c.970C>T, p.Pro324Ser (NM_001126131.2); short protein forms P324S.
Identifiers: ClinVar variation 21320 (VCV000021320.65), dbSNP rs2307437, ClinGen allele CA292863.